The following is an entry in ClinVar:

NM_018344.6(SLC29A3):c.550_551delinsCC (p.Ser184Pro)

Gene: SLC29A3 (solute carrier family 29 member 3; plus strand). Cytogenetic location: 10q22.1.
Variant type: Indel.
Coding change: c.550_551delinsCC on transcript NM_018344.6 (MANE Select); coding-DNA positions 550 to 551, AG replaced by CC.
Protein change: p.Ser184Pro; replaces serine 184 with proline.
Molecular consequence: missense variant. On other transcripts: non-coding transcript variant (1).
Genome position (GRCh38, 1-based): chr10:71,351,728-71,351,729, AG replaced by CC. VCF-style: chr10-71351728-AG-CC. GRCh37 (hg19) VCF-style: chr10-73111485-AG-CC.
Other names: c.550_551delinsCC, p.Ser184Pro (NM_001174098.2); c.316_317delinsCC, p.Ser106Pro (NM_001363518.2); short protein forms S106P, S184P.
Identifiers: ClinVar variation 1438064 (VCV001438064.8), dbSNP rs2131839287, ClinGen allele CA2573145497.

ClinVar aggregate classification (germline): Uncertain significance (1 of 4 stars; one submission).

Conditions:
H syndrome. Also called: Pigmented hypertrichosis and insulin-dependent diabetes mellitus; FAISALABAD HISTIOCYTOSIS; Asrar Facharzt Haque syndrome; Histiocytosis with joint contractures and sensorineural deafness; HISTIOCYTOSIS AND LYMPHADENOPATHY WITH OR WITHOUT CUTANEOUS, CARDIAC, AND/OR ENDOCRINE FEATURES, JOINT CONTRACTURES, AND/OR DEAFNESS; HYPERPIGMENTATION, CUTANEOUS, WITH HYPERTRICHOSIS, HEPATOSPLENOMEGALY, HEART ANOMALIES, AND HYPOGONADISM WITH OR WITHOUT HEARING LOSS. Identifiers: Orphanet 168569, MedGen C1864445, MONDO:0011273, OMIM 602782.

Submission:

Labcorp Genetics (formerly Invitae), Labcorp
Classification: Uncertain significance for H syndrome. Last evaluated: 2022-06-20. Review status: criteria provided, single submitter. Criteria: Invitae Variant Classification Sherloc (09022015). Collection method: clinical testing. Allele origin: germline.
Comment: In summary, the available evidence is currently insufficient to determine the role of this variant in disease. Therefore, it has been classified as a Variant of Uncertain Significance. Algorithms developed to predict the effect of missense changes on protein structure and function are either unavailable or do not agree on the potential impact of this missense change (SIFT: "Not Available"; PolyPhen-2: "Probably Damaging"; Align-GVGD: "Not Available"). This variant has not been reported in the literature in individuals affected with SLC29A3-related conditions. Information on the frequency of this variant in the gnomAD database is not available, as this variant may be reported differently in the database. This sequence change replaces serine with proline at codon 184 of the SLC29A3 protein (p.Ser184Pro). The serine residue is moderately conserved and there is a moderate physicochemical difference between serine and proline.